The following is an entry in ClinVar:

NM_000593.6(TAP1):c.479_481del (p.Leu160_Trp161delinsArg)

Gene: TAP1 (transporter 1, ATP binding cassette subfamily B member; minus strand). Cytogenetic location: 6p21.32.
Variant type: Deletion.
Coding change: c.479_481del on transcript NM_000593.6 (MANE Select); coding-DNA positions 479 to 481, 3 bases deleted (TCT; older notation c.479_481delTCT).
Protein change: p.Leu160_Trp161delinsArg.
Molecular consequence: inframe indel.
Genome position (GRCh38, 1-based): chr6:32,853,156-32,853,158, AGA deleted on the plus strand (TCT on the coding strand, the reverse complement: TAP1 is on the minus strand). VCF-style (leftmost placement, unchanged base first): chr6-32853155-CAGA-C. GRCh37 (hg19) VCF-style: chr6-32820932-CAGA-C.
Identifiers: ClinVar variation 1419178 (VCV001419178.5), dbSNP rs757882774, ClinGen allele CA3747009.

ClinVar aggregate classification (germline): Uncertain significance (1 of 4 stars; one submission).

Conditions:
MHC class I deficiency. Identifiers: Orphanet 34592, MedGen C6024714, MONDO:0011476.

Allele frequency attached by ClinVar (database versions not stated): gnomAD 0.00001; gnomAD exomes 0.00001 and 0.00002; ExAC 0.00003.

Submission:

Labcorp Genetics (formerly Invitae), Labcorp
Classification: Uncertain significance for MHC class I deficiency 1. Last evaluated: 2021-08-26. Review status: criteria provided, single submitter. Criteria: Invitae Variant Classification Sherloc (09022015). Collection method: clinical testing. Allele origin: germline.
Comment: This variant, c.659_661del, is a complex sequence change that results in the deletion of 2 and insertion of 1 amino acid(s) in the TAP1 protein (p.Leu220_Trp221delinsArg). The frequency data for this variant in the population databases is considered unreliable, as metrics indicate poor data quality at this position in the ExAC database. This variant has not been reported in the literature in individuals affected with TAP1-related conditions. Experimental studies and prediction algorithms are not available or were not evaluated, and the functional significance of this variant is currently unknown. In summary, the available evidence is currently insufficient to determine the role of this variant in disease. Therefore, it has been classified as a Variant of Uncertain Significance.